The following is an entry in ClinVar:

NM_001330260.2(SCN8A):c.3020G>A (p.Gly1007Asp)

Gene: SCN8A (sodium voltage-gated channel alpha subunit 8; plus strand). Cytogenetic location: 12q13.13.
Variant type: single nucleotide variant.
Coding change: c.3020G>A on transcript NM_001330260.2 (MANE Select); coding-DNA position 3020, G replaced by A.
Protein change: p.Gly1007Asp; replaces glycine 1007 with aspartic acid.
Molecular consequence: missense variant.
Genome position (GRCh38, 1-based): chr12:51,768,983, G>A. VCF-style: chr12-51768983-G-A. GRCh37 (hg19) VCF-style: chr12-52162767-G-A.
Other names: c.3020G>A, p.Gly1007Asp (NM_001177984.3, NM_001369788.1, NM_014191.4); short protein forms G1007D.
Identifiers: ClinVar variation 4532701 (VCV004532701.1).

ClinVar aggregate classification (germline): Uncertain significance (1 of 4 stars; one submission).

Submission:

GeneDx
Classification: Uncertain significance. Last evaluated: 2025-05-31. Review status: criteria provided, single submitter. Criteria: GeneDx Variant Classification Process June 2021. Collection method: clinical testing. Allele origin: germline. Affected: yes.
Comment: This substitution is predicted to be within the cytoplasmic loop between the second and third homologous domains; In silico analysis supports that this missense variant has a deleterious effect on protein structure/function; Has not been previously published as pathogenic or benign to our knowledge